The following is an entry in ClinVar:

ClinVar aggregate classification (germline): Uncertain significance (1 of 4 stars; one submission).

Conditions:
Lessel-Kreienkamp syndrome. Identifiers: MedGen C5436892, MONDO:0030897, OMIM 619149.

Submission:

MVZ Medizinische Genetik Mainz
Classification: Uncertain significance for Lessel-Kreienkamp syndrome. Last evaluated: 2022-06-20. Review status: criteria provided, single submitter. Criteria: UK Practice Guidelines For Variant Classification V4 01 2020. Collection method: clinical testing. Allele origin: germline. Inheritance: Autosomal dominant inheritance. Affected: yes. Observed: 1 variant allele.
Comment: ACMG Criteria: PM2_SUP, PP2, PP3

NM_012154.5(AGO2):c.1789G>C (p.Asp597His)

Gene: AGO2 (argonaute RISC catalytic component 2; minus strand). Cytogenetic location: 8q24.3.
Variant type: single nucleotide variant.
Coding change: c.1789G>C on transcript NM_012154.5 (MANE Select); coding-DNA position 1789, G replaced by C.
Protein change: p.Asp597His; replaces aspartic acid 597 with histidine.
Molecular consequence: missense variant.
Genome position (GRCh38, 1-based): chr8:140,544,263, C>G on the plus strand (G>C on the coding strand, the complement: AGO2 is on the minus strand). VCF-style: chr8-140544263-C-G. GRCh37 (hg19) VCF-style: chr8-141554362-C-G.
Other names: c.1789G>C, p.Asp597His (NM_001164623.3); short protein forms D597H.
Identifiers: ClinVar variation 3066282 (VCV003066282.1), dbSNP rs151129167, ClinGen allele CA372333849.